The following is an entry in ClinVar:

NM_001190274.2(FBXO11):c.265G>C (p.Glu89Gln)

Gene: FBXO11 (F-box protein 11; minus strand). Cytogenetic location: 2p16.3.
Variant type: single nucleotide variant.
Coding change: c.265G>C on transcript NM_001190274.2 (MANE Select); coding-DNA position 265, G replaced by C.
Protein change: p.Glu89Gln; replaces glutamic acid 89 with glutamine.
Molecular consequence: missense variant.
Genome position (GRCh38, 1-based): chr2:47,839,737, C>G on the plus strand (G>C on the coding strand, the complement: FBXO11 is on the minus strand). VCF-style: chr2-47839737-C-G. GRCh37 (hg19) VCF-style: chr2-48066876-C-G.
Other names: c.13G>C, p.Glu5Gln (NM_001374325.1, NM_025133.4); short protein forms E5Q, E89Q.
Identifiers: ClinVar variation 4716124 (VCV004716124.1).

ClinVar aggregate classification (germline): Uncertain significance (1 of 4 stars; one submission).

Submission:

Labcorp Genetics (formerly Invitae), Labcorp
Classification: Uncertain significance. Last evaluated: 2025-03-27. Review status: criteria provided, single submitter. Criteria: Invitae Variant Classification Sherloc (09022015). Collection method: clinical testing. Allele origin: germline.
Comment: This sequence change replaces glutamic acid, which is acidic and polar, with glutamine, which is neutral and polar, at codon 89 of the FBXO11 protein (p.Glu89Gln). This variant is not present in population databases (gnomAD no frequency). This variant has not been reported in the literature in individuals affected with FBXO11-related conditions. An algorithm developed to predict the effect of missense changes on protein structure and function (PolyPhen-2) suggests that this variant is likely to be tolerated. In summary, the available evidence is currently insufficient to determine the role of this variant in disease. Therefore, it has been classified as a Variant of Uncertain Significance.